The following is an entry in ClinVar:

ClinVar aggregate classification (germline): Uncertain significance (1 of 4 stars; one submission).

Conditions:
Inborn genetic diseases. Identifiers: MedGen C0950123, MeSH D030342.

Submission:

Ambry Genetics
Classification: Uncertain significance for Inborn genetic diseases. Last evaluated: 2026-02-19. Review status: criteria provided, single submitter. Criteria: Ambry Variant Classification Scheme 2023. Collection method: clinical testing. Allele origin: germline.
Comment: The c.1248_1253+13DUP19 variant results from a duplication of 19 nucleotides between positions 1248 and 1253+13 and involves the canonical spice donor site after coding exon 7 of the ETV6 gene. This nucleotide region is well conserved in available vertebrate species. In silico splice site analysis predicts that this alteration will weaken the native splice donor site, and will result in the creation or strengthening of a novel splice donor site. Based on the available evidence, the clinical significance of this variant remains unclear.

NM_001987.5(ETV6):c.1248_1253+13dup

Gene: ETV6 (ETS variant transcription factor 6; plus strand). Cytogenetic location: 12p13.2.
Variant type: Duplication.
Coding change: c.1248_1253+13dup on transcript NM_001987.5 (MANE Select); coding-DNA position 1248 through 13 bases into the intron after coding-DNA position 1253, 19 bases duplicated (GTTCAGGTAGCACTTCCTT).
Molecular consequence: splice donor variant. On other transcripts: intron variant (1).
Genome position (GRCh38, 1-based): chr12:11,886,021-11,886,039, GTTCAGGTAGCACTTCCTT duplicated; duplicating any 19 consecutive bases within chr12:11,886,019-11,886,039 gives the same sequence; the c. name uses the placement nearest the transcript's 3' end. VCF-style (leftmost placement, unchanged base first): chr12-11886018-T-TTTGTTCAGGTAGCACTTCC. GRCh37 (hg19) VCF-style: chr12-12038952-T-TTTGTTCAGGTAGCACTTCC.
Other names: c.1010-4920_1010-4902dup (NM_001413917.1); c.1245_1250+13dup (NM_001413913.1); c.984_989+13dup (NM_001413915.1); c.1221_1226+13dup (NM_001413914.1).
Identifiers: ClinVar variation 4824063 (VCV004824063.1).
Genomic context (GRCh38, chr12:11,886,018, plus strand): 5'-CAGAGCCCTGCGCCACTACTACAAACTAAACATTATCAGGAAGGAGCCAGGACAAAGGCT[T>TTTGTTCAGGTAGCACTTCC]TTGTTCAGGTAGCACTTCCTTTTTCTCCTTTCCTTCTTTTGGGAGGATGCTGTTTTCTTT-3'